The following is an entry in ClinVar:

NM_001394062.1(MACF1):c.21263C>G (p.Pro7088Arg)

Gene: MACF1 (microtubule actin crosslinking factor 1; plus strand). Cytogenetic location: 1p34.3.
Variant type: single nucleotide variant.
Coding change: c.21263C>G on transcript NM_001394062.1 (MANE Select); coding-DNA position 21263, C replaced by G.
Protein change: p.Pro7088Arg; replaces proline 7088 with arginine.
Molecular consequence: missense variant.
Genome position (GRCh38, 1-based): chr1:39,459,152, C>G. VCF-style: chr1-39459152-C-G. GRCh37 (hg19) VCF-style: chr1-39924824-C-G.
Other names: c.9341C>G, p.Pro3114Arg (NM_001397473.1); c.15086C>G, p.Pro5029Arg (NM_012090.5); short protein forms P3114R, P5029R, P7088R.
Identifiers: ClinVar variation 2572866 (VCV002572866.1), dbSNP rs1401992292, ClinGen allele CA339769814.

ClinVar aggregate classification (germline): Uncertain significance (1 of 4 stars; one submission).

Submission:

GeneDx
Classification: Uncertain significance. Last evaluated: 2023-01-12. Review status: criteria provided, single submitter. Criteria: GeneDx Variant Classification Process June 2021. Collection method: clinical testing. Allele origin: germline. Affected: yes.
Comment: Not observed at significant frequency in large population cohorts (gnomAD); In silico analysis supports that this missense variant has a deleterious effect on protein structure/function; Has not been previously published as pathogenic or benign to our knowledge